The following is an entry in ClinVar:

NM_006887.5(ZFP36L2):c.760T>C (p.Leu254=)

Gene: ZFP36L2 (ZFP36 ring finger protein like 2; minus strand). Cytogenetic location: 2p21.
Variant type: single nucleotide variant.
Coding change: c.760T>C on transcript NM_006887.5 (MANE Select); coding-DNA position 760, T replaced by C.
Protein change: p.Leu254=; no amino-acid change (leucine 254 retained).
Molecular consequence: synonymous variant.
Genome position (GRCh38, 1-based): chr2:43,225,044, A>G on the plus strand (T>C on the coding strand, the complement: ZFP36L2 is on the minus strand). VCF-style: chr2-43225044-A-G. GRCh37 (hg19) VCF-style: chr2-43452183-A-G.
Identifiers: ClinVar variation 3056889 (VCV003056889.2), dbSNP rs7933, ClinGen allele CA1631481.
Genomic context (GRCh38, chr2:43,225,044, plus strand): 5'-GGCCGCCCGGGGGCTGATGGTGGCCCGACGGGAAGCCCGAGAAGCTGAGGCTGTGGTGCA[A>G]CTTGGGCCGCGGCTCCCGCGGGAAGCCCAGGTGCAACGCATCGCGCGTGCCAAAGGCACG-3'
Protein context (NP_008818.3, residues 244-264): LGFPREPRPK[Leu254=]HHSLSFSGFP

ClinVar aggregate classification (germline): Benign (0 of 4 stars; one submission).

Conditions:
ZFP36L2-related disorder. Also called: ZFP36L2-related condition.

Allele frequency attached by ClinVar (database versions not stated): ExAC 0.38774; gnomAD 0.47266; ESP Exome Variant Server 0.47793; TOPMed 0.48210; 1000 Genomes Project 0.50080; 1000 Genomes Project 30x 0.51109.

Submission:

PreventionGenetics, part of Exact Sciences
Classification: Benign for ZFP36L2-related condition. Last evaluated: 2019-10-17. Review status: no assertion criteria provided. Collection method: clinical testing. Allele origin: germline.
Comment: This variant is classified as benign based on ACMG/AMP sequence variant interpretation guidelines (Richards et al. 2015 PMID: 25741868, with internal and published modifications).